The following is an entry in ClinVar:

NM_001101362.3(KBTBD13):c.305C>A (p.Thr102Lys)

Gene: KBTBD13 (kelch repeat and BTB domain containing 13; plus strand). Cytogenetic location: 15q22.31.
Variant type: single nucleotide variant.
Coding change: c.305C>A on transcript NM_001101362.3 (MANE Select); coding-DNA position 305, C replaced by A.
Protein change: p.Thr102Lys; replaces threonine 102 with lysine.
Molecular consequence: missense variant.
Genome position (GRCh38, 1-based): chr15:65,077,120, C>A. VCF-style: chr15-65077120-C-A. GRCh37 (hg19) VCF-style: chr15-65369458-C-A.
Other names: short protein forms T102K.
Identifiers: ClinVar variation 451103 (VCV000451103.6), dbSNP rs1321779623, ClinGen allele CA392859638.

ClinVar aggregate classification (germline): Uncertain significance. Review status: criteria provided, multiple submitters, no conflicts (2 of 4 stars). 2 submissions from 2 submitters: Uncertain significance (2). Last evaluated 2025-03-07.

Conditions:
Nemaline myopathy 6 (NEM6). Also called: Nemaline myopathy 6, autosomal dominant. Identifiers: Orphanet 171439, MedGen C1836472, MONDO:0012237, OMIM 609273.

Allele frequency attached by ClinVar (database versions not stated): gnomAD exomes below 0.00001; TOPMed 0.00002; gnomAD 0.00006.

Submissions (2):

Labcorp Genetics (formerly Invitae), Labcorp
Classification: Uncertain significance for Nemaline myopathy 6. Last evaluated: 2025-03-07. Review status: criteria provided, single submitter. Criteria: Invitae Variant Classification Sherloc (09022015). Collection method: clinical testing. Allele origin: germline.
Comment: This sequence change replaces threonine, which is neutral and polar, with lysine, which is basic and polar, at codon 102 of the KBTBD13 protein (p.Thr102Lys). This variant is present in population databases (no rsID available, gnomAD 0.02%). This variant has not been reported in the literature in individuals affected with KBTBD13-related conditions. ClinVar contains an entry for this variant (Variation ID: 451103). Invitae Evidence Modeling of protein sequence and biophysical properties (such as structural, functional, and spatial information, amino acid conservation, physicochemical variation, residue mobility, and thermodynamic stability) indicates that this missense variant is not expected to disrupt KBTBD13 protein function with a negative predictive value of 80%. In summary, the available evidence is currently insufficient to determine the role of this variant in disease. Therefore, it has been classified as a Variant of Uncertain Significance.

GeneDx
Classification: Uncertain significance. Last evaluated: 2017-08-08. Review status: criteria provided, single submitter. Criteria: GeneDx Variant Classification (06012015). Collection method: clinical testing. Allele origin: germline. Affected: yes.
Comment: The T102K variant has not been published as a pathogenic variant, nor has it been reported as a benign variant to our knowledge. No data are available from control populations to assess the frequency of this variant. This variant is a semi-conservative amino acid substitution, which may impact secondary protein structure as these residues differ in some properties. However, this substitution occurs at a position that is not conserved, and in silico analysis predicts this variant likely does not alter the protein structure/function.